The following is an entry in ClinVar:

NM_001277115.2(DNAH11):c.13425C>T (p.Thr4475=)

Genes: CDCA7L (cell division cycle associated 7 like; minus strand), DNAH11 (dynein axonemal heavy chain 11; plus strand). Cytogenetic location: 7p15.3.
Variant type: single nucleotide variant.
Coding change: c.13425C>T on transcript NM_001277115.2 (MANE Select); coding-DNA position 13425, C replaced by T.
Protein change: p.Thr4475=; no amino-acid change (threonine 4475 retained).
Molecular consequence: synonymous variant. On other transcripts: 3 prime UTR variant (3).
Genome position (GRCh38, 1-based): chr7:21,901,128, C>T. VCF-style: chr7-21901128-C-T. GRCh37 (hg19) VCF-style: chr7-21940746-C-T.
Other names: c.*1194G>A (NM_001127370.3, NM_001127371.3, NM_018719.5).
Identifiers: ClinVar variation 2045856 (VCV002045856.8), dbSNP rs187353983, ClinGen allele CA4183488.

ClinVar aggregate classification (germline): Likely benign. Review status: criteria provided, multiple submitters, no conflicts (2 of 4 stars). 4 submissions from 4 submitters: Likely benign (4). Last evaluated 2026-05-10.

Conditions:
Primary ciliary dyskinesia. Also called: Ciliary dyskinesia. Identifiers: Orphanet 244, MedGen C0008780, MONDO:0016575, HP:0012265.
DNAH11-related disorder. Also called: DNAH11-related condition.

Allele frequency attached by ClinVar (database versions not stated): ExAC 0.00011; 1000 Genomes Project 30x 0.00031; ESP Exome Variant Server 0.00058; 1000 Genomes Project 0.00060.
gnomAD v4.1: 112 of 1,613,952 alleles (0.0069%); highest among the groups gnomAD compares: African/African-American, 0.13%; no homozygotes.

Submissions (4):

PreventionGenetics, part of Exact Sciences
Classification: Likely benign for DNAH11-related condition. Last evaluated: 2026-05-10. Review status: criteria provided, single submitter. Criteria: ACMG Guidelines, 2015. Collection method: clinical testing. Allele origin: germline.
Comment: This variant is classified as likely benign based on ACMG/AMP sequence variant interpretation guidelines (Richards et al. 2015 PMID: 25741868, with internal and published modifications).

Labcorp Genetics (formerly Invitae), Labcorp
Classification: Likely benign for Primary ciliary dyskinesia. Last evaluated: 2025-12-08. Review status: criteria provided, single submitter. Criteria: Invitae Variant Classification Sherloc (09022015). Collection method: clinical testing. Allele origin: germline.

Blueprint Genetics
Classification: Likely benign. Last evaluated: 2024-08-06. Review status: criteria provided, single submitter. Criteria: ACMG Guidelines, 2015. Collection method: clinical testing. Allele origin: germline.

Ambry Genetics
Classification: Likely benign for Primary ciliary dyskinesia. Last evaluated: 2023-06-12. Review status: criteria provided, single submitter. Criteria: Ambry Variant Classification Scheme 2023. Collection method: clinical testing. Allele origin: germline.